The following is an entry in ClinVar:

NM_001170629.2(CHD8):c.2309G>A (p.Gly770Asp)

Gene: CHD8 (chromodomain helicase DNA binding protein 8; minus strand). Cytogenetic location: 14q11.2.
Variant type: single nucleotide variant.
Coding change: c.2309G>A on transcript NM_001170629.2 (MANE Select); coding-DNA position 2309, G replaced by A.
Protein change: p.Gly770Asp; replaces glycine 770 with aspartic acid.
Molecular consequence: missense variant.
Genome position (GRCh38, 1-based): chr14:21,409,906, C>T on the plus strand (G>A on the coding strand, the complement: CHD8 is on the minus strand). VCF-style: chr14-21409906-C-T. GRCh37 (hg19) VCF-style: chr14-21878065-C-T.
Other names: c.1472G>A, p.Gly491Asp (NM_020920.4); short protein forms G491D, G770D.
Identifiers: ClinVar variation 2778208 (VCV002778208.3), dbSNP rs1888414292, ClinGen allele CA388876486.

ClinVar aggregate classification (germline): Uncertain significance (1 of 4 stars; one submission).

Submission:

Labcorp Genetics (formerly Invitae), Labcorp
Classification: Uncertain significance. Last evaluated: 2024-05-15. Review status: criteria provided, single submitter. Criteria: Invitae Variant Classification Sherloc (09022015). Collection method: clinical testing. Allele origin: germline.
Comment: This sequence change replaces glycine, which is neutral and non-polar, with aspartic acid, which is acidic and polar, at codon 770 of the CHD8 protein (p.Gly770Asp). This variant is not present in population databases (gnomAD no frequency). This variant has not been reported in the literature in individuals affected with CHD8-related conditions. Advanced modeling of protein sequence and biophysical properties (such as structural, functional, and spatial information, amino acid conservation, physicochemical variation, residue mobility, and thermodynamic stability) performed at Invitae indicates that this missense variant is not expected to disrupt CHD8 protein function with a negative predictive value of 80%. In summary, the available evidence is currently insufficient to determine the role of this variant in disease. Therefore, it has been classified as a Variant of Uncertain Significance.